The following is an entry in ClinVar:

NM_000302.4(PLOD1):c.931C>T (p.Leu311Phe)

Gene: PLOD1 (procollagen-lysine,2-oxoglutarate 5-dioxygenase 1; plus strand). Cytogenetic location: 1p36.22.
Variant type: single nucleotide variant.
Coding change: c.931C>T on transcript NM_000302.4 (MANE Select); coding-DNA position 931, C replaced by T.
Protein change: p.Leu311Phe; replaces leucine 311 with phenylalanine.
Molecular consequence: missense variant.
Genome position (GRCh38, 1-based): chr1:11,958,603, C>T. VCF-style: chr1-11958603-C-T. GRCh37 (hg19) VCF-style: chr1-12018660-C-T.
Other names: c.1072C>T, p.Leu358Phe (NM_001316320.2); short protein forms L311F, L358F.
Identifiers: ClinVar variation 579875 (VCV000579875.7), dbSNP rs1438781151, ClinGen allele CA338434604.

ClinVar aggregate classification (germline): Uncertain significance. Review status: criteria provided, multiple submitters, no conflicts (2 of 4 stars). 2 submissions from 2 submitters: Uncertain significance (2). Last evaluated 2024-05-28.

Conditions:
Ehlers-Danlos syndrome, kyphoscoliotic type 1 (EDSKSCL1). Also called: EHLERS-DANLOS SYNDROME, OCULAR-SCOLIOTIC TYPE; Ehlers-Danlos syndrome, hydroxylysine-deficient; PLOD1-Related Kyphoscoliotic Ehlers-Danlos Syndrome; EHLERS-DANLOS SYNDROME, TYPE VIA. Identifiers: Orphanet 1900, MedGen C0268342, MONDO:0016002, OMIM 225400. Disease mechanism: loss of function.

Allele frequency attached by ClinVar (database versions not stated): gnomAD exomes below 0.00001.

Submissions (2):

GeneDx
Classification: Uncertain significance. Last evaluated: 2024-05-28. Review status: criteria provided, single submitter. Criteria: GeneDx Variant Classification Process June 2021. Collection method: clinical testing. Allele origin: germline. Affected: yes.
Comment: Not observed at significant frequency in large population cohorts (gnomAD); In silico analysis supports that this missense variant has a deleterious effect on protein structure/function; Has not been previously published as pathogenic or benign to our knowledge

Labcorp Genetics (formerly Invitae), Labcorp
Classification: Uncertain significance for Ehlers-Danlos syndrome, kyphoscoliotic type 1. Last evaluated: 2021-08-24. Review status: criteria provided, single submitter. Criteria: Invitae Variant Classification Sherloc (09022015). Collection method: clinical testing. Allele origin: germline.
Comment: This sequence change replaces leucine with phenylalanine at codon 311 of the PLOD1 protein (p.Leu311Phe). The leucine residue is highly conserved and there is a small physicochemical difference between leucine and phenylalanine. This variant is not present in population databases (ExAC no frequency). This variant has not been reported in the literature in individuals affected with PLOD1-related conditions. Algorithms developed to predict the effect of missense changes on protein structure and function output the following: SIFT: "Tolerated"; PolyPhen-2: "Benign"; Align-GVGD: "Class C0". The phenylalanine amino acid residue is found in multiple mammalian species, which suggests that this missense change does not adversely affect protein function. In summary, the available evidence is currently insufficient to determine the role of this variant in disease. Therefore, it has been classified as a Variant of Uncertain Significance.